The following is an entry in ClinVar:

NM_001244008.2(KIF1A):c.104C>A (p.Thr35Asn)

Gene: KIF1A (kinesin family member 1A; minus strand). Cytogenetic location: 2q37.3.
Variant type: single nucleotide variant.
Coding change: c.104C>A on transcript NM_001244008.2 (MANE Select); coding-DNA position 104, C replaced by A.
Protein change: p.Thr35Asn; replaces threonine 35 with asparagine.
Molecular consequence: missense variant.
Genome position (GRCh38, 1-based): chr2:240,797,649, G>T on the plus strand (C>A on the coding strand, the complement: KIF1A is on the minus strand). VCF-style: chr2-240797649-G-T. GRCh37 (hg19) VCF-style: chr2-241737066-G-T.
Other names: c.104C>A, p.Thr35Asn (NM_001320705.2, NM_001330289.2, NM_001330290.2 and 20 more transcripts); short protein forms T35N.
Identifiers: ClinVar variation 864523 (VCV000864523.10), dbSNP rs2056551129, ClinGen allele CA351315396.

ClinVar aggregate classification (germline): Likely pathogenic (1 of 4 stars; one submission).

Conditions:
Hereditary spastic paraplegia 30. Identifiers: Orphanet 101010, MedGen C5235139, MONDO:0012476.
Neuropathy, hereditary sensory, type 2C. Also called: Hereditary sensory and autonomic neuropathy type IIC; KIF1A-Related HSAN2 (HSAN2C). Identifiers: Orphanet 970, MedGen C3280168, MONDO:0013634, OMIM 614213.
Intellectual disability, autosomal dominant 9 (NESCAVS). Also called: NESCAV SYNDROME; KIF1A-Related Neurodevelopmental Disorder. Identifiers: Orphanet 662367, MedGen C5393830, MONDO:0013656, OMIM 614255.

Submission:

Labcorp Genetics (formerly Invitae), Labcorp
Classification: Likely pathogenic for Hereditary spastic paraplegia 30; Neuropathy, hereditary sensory, type 2C; Intellectual disability, autosomal dominant 9. Last evaluated: 2019-04-28. Review status: criteria provided, single submitter. Criteria: Invitae Variant Classification Sherloc (09022015). Collection method: clinical testing. Allele origin: germline.
Comment: In summary, the currently available evidence indicates that the variant is pathogenic, but additional data are needed to prove that conclusively. Therefore, this variant has been classified as Likely Pathogenic. Algorithms developed to predict the effect of missense changes on protein structure and function (SIFT, PolyPhen-2, Align-GVGD) all suggest that this variant is likely to be disruptive, but these predictions have not been confirmed by published functional studies and their clinical significance is uncertain. This variant is not present in population databases (ExAC no frequency). This sequence change replaces threonine with asparagine at codon 35 of the KIF1A protein (p.Thr35Asn). The threonine residue is highly conserved and there is a small physicochemical difference between threonine and asparagine.